The following is an entry in ClinVar:

ClinVar aggregate classification (germline): Uncertain significance (1 of 4 stars; one submission).

Conditions:
Charcot-Marie-Tooth disease axonal type 2Z. Also called: CHARCOT-MARIE-TOOTH DISEASE, AXONAL, AUTOSOMAL DOMINANT, TYPE 2Z; CHARCOT-MARIE-TOOTH NEUROPATHY, TYPE 2Z. Identifiers: Orphanet 466768, MedGen C5569025, MONDO:0014736, OMIM 616688.

Allele frequency attached by ClinVar (database versions not stated): gnomAD exomes 0.00004 and 0.00002; ExAC 0.00004; gnomAD 0.00001.

Submission:

Labcorp Genetics (formerly Invitae), Labcorp
Classification: Uncertain significance for Charcot-Marie-Tooth disease axonal type 2Z. Last evaluated: 2023-09-10. Review status: criteria provided, single submitter. Criteria: Invitae Variant Classification Sherloc (09022015). Collection method: clinical testing. Allele origin: germline.
Comment: This variant has not been reported in the literature in individuals affected with MORC2-related conditions. ClinVar contains an entry for this variant (Variation ID: 542286). Advanced modeling of protein sequence and biophysical properties (such as structural, functional, and spatial information, amino acid conservation, physicochemical variation, residue mobility, and thermodynamic stability) performed at Invitae indicates that this missense variant is not expected to disrupt MORC2 protein function. In summary, the available evidence is currently insufficient to determine the role of this variant in disease. Therefore, it has been classified as a Variant of Uncertain Significance. This variant is present in population databases (rs768807060, gnomAD 0.03%). This sequence change replaces arginine, which is basic and polar, with glutamine, which is neutral and polar, at codon 707 of the MORC2 protein (p.Arg707Gln).

NM_001303256.3(MORC2):c.2120G>A (p.Arg707Gln)

Gene: MORC2 (MORC family CW-type zinc finger 2; minus strand). Cytogenetic location: 22q12.2.
Variant type: single nucleotide variant.
Coding change: c.2120G>A on transcript NM_001303256.3 (MANE Select); coding-DNA position 2120, G replaced by A.
Protein change: p.Arg707Gln; replaces arginine 707 with glutamine.
Molecular consequence: missense variant.
Genome position (GRCh38, 1-based): chr22:30,934,854, C>T on the plus strand (G>A on the coding strand, the complement: MORC2 is on the minus strand). VCF-style: chr22-30934854-C-T. GRCh37 (hg19) VCF-style: chr22-31330841-C-T.
Other names: c.2120G>A, p.Arg707Gln (NM_001303257.2); c.1934G>A, p.Arg645Gln (NM_014941.3); short protein forms R645Q, R707Q.
Identifiers: ClinVar variation 542286 (VCV000542286.9), dbSNP rs768807060, ClinGen allele CA10186767.